The following is an entry in ClinVar:

ClinVar aggregate classification (germline): Uncertain significance. Review status: criteria provided, multiple submitters, no conflicts (2 of 4 stars). 2 submissions from 2 submitters: Uncertain significance (2). Last evaluated 2024-10-12.

Allele frequency attached by ClinVar (database versions not stated): ExAC 0.00001; gnomAD exomes 0.00001; gnomAD 0.00007; ESP Exome Variant Server 0.00008; TOPMed 0.00011.
gnomAD v4.1: 19 of 1,613,220 alleles (0.0012%); highest among the groups gnomAD compares: African/African-American, 0.02%; no homozygotes.

Submissions (2):

Ambry Genetics
Classification: Uncertain significance. Last evaluated: 2024-10-12. Review status: criteria provided, single submitter. Criteria: Ambry Variant Classification Scheme 2023. Collection method: clinical testing. Allele origin: germline.

Labcorp Genetics (formerly Invitae), Labcorp
Classification: Uncertain significance. Last evaluated: 2022-08-22. Review status: criteria provided, single submitter. Criteria: Invitae Variant Classification Sherloc (09022015). Collection method: clinical testing. Allele origin: germline.
Comment: This sequence change replaces proline, which is neutral and non-polar, with leucine, which is neutral and non-polar, at codon 434 of the NUP160 protein (p.Pro434Leu). This variant is present in population databases (rs371179679, gnomAD 0.02%). This variant has not been reported in the literature in individuals affected with NUP160-related conditions. Algorithms developed to predict the effect of missense changes on protein structure and function are either unavailable or do not agree on the potential impact of this missense change (SIFT: "Not Available"; PolyPhen-2: "Benign"; Align-GVGD: "Not Available"). In summary, the available evidence is currently insufficient to determine the role of this variant in disease. Therefore, it has been classified as a Variant of Uncertain Significance.

NM_015231.3(NUP160):c.1199C>T (p.Pro400Leu)

Gene: NUP160 (nucleoporin 160; minus strand). Cytogenetic location: 11p11.2.
Variant type: single nucleotide variant.
Coding change: c.1199C>T on transcript NM_015231.3 (MANE Select); coding-DNA position 1199, C replaced by T.
Protein change: p.Pro400Leu; replaces proline 400 with leucine.
Molecular consequence: missense variant. On other transcripts: non-coding transcript variant (1).
Genome position (GRCh38, 1-based): chr11:47,819,435, G>A on the plus strand (C>T on the coding strand, the complement: NUP160 is on the minus strand). VCF-style: chr11-47819435-G-A. GRCh37 (hg19) VCF-style: chr11-47840987-G-A.
Other names: c.1301C>T (NM_015231.1); short protein forms P400L.
Identifiers: ClinVar variation 2172744 (VCV002172744.5), dbSNP rs371179679, ClinGen allele CA5981360.